The following is an entry in ClinVar:

ClinVar aggregate classification (germline): Uncertain significance. Review status: criteria provided, multiple submitters, no conflicts (2 of 4 stars). 3 submissions from 3 submitters: Uncertain significance (3). Last evaluated 2025-03-03.

Conditions:
Cardiovascular phenotype. Identifiers: MedGen CN230736.
Long QT syndrome (LQTS). Identifiers: MedGen C0023976, MeSH D008133, MONDO:0002442. Disease mechanism: loss of function. Inheritance: Various modes of inheritance.

Allele frequency attached by ClinVar (database versions not stated): ExAC 0.00001; gnomAD exomes 0.00001 and 0.00002; TOPMed 0.00001; gnomAD 0.00003.

Submissions (3):

Labcorp Genetics (formerly Invitae), Labcorp
Classification: Uncertain significance for Long QT syndrome. Last evaluated: 2025-03-03. Review status: criteria provided, single submitter. Criteria: Invitae Variant Classification Sherloc (09022015). Collection method: clinical testing. Allele origin: germline.
Comment: This sequence change replaces methionine, which is neutral and non-polar, with valine, which is neutral and non-polar, at codon 1315 of the CACNA1C protein (p.Met1315Val). This variant is present in population databases (rs756734279, gnomAD 0.002%). This variant has not been reported in the literature in individuals affected with CACNA1C-related conditions. ClinVar contains an entry for this variant (Variation ID: 190615). An algorithm developed to predict the effect of missense changes on protein structure and function (PolyPhen-2) suggests that this variant is likely to be tolerated. In summary, the available evidence is currently insufficient to determine the role of this variant in disease. Therefore, it has been classified as a Variant of Uncertain Significance.

Ambry Genetics
Classification: Uncertain significance for Cardiovascular phenotype. Last evaluated: 2022-09-22. Review status: criteria provided, single submitter. Criteria: Ambry Variant Classification Scheme 2023. Collection method: clinical testing. Allele origin: germline.
Comment: The p.M1315V variant (also known as c.3943A>G), located in coding exon 31 of the CACNA1C gene, results from an A to G substitution at nucleotide position 3943. The methionine at codon 1315 is replaced by valine, an amino acid with highly similar properties. Based on data from gnomAD, the frequency for this variant is above the maximum credible frequency for a cardiac disease-causing variant in this gene based on internally established thresholds (Karczewski et al. Nature. 2020 May;581(7809):434-443; Whiffin et al. Genet Med. 2017 10;19:1151-1158). This amino acid position is well conserved in available vertebrate species. In addition, the in silico prediction for this alteration is inconclusive. Based on the supporting evidence, the association of this alteration with CACNA1C-related neurodevelopmental disorder is unknown; however, the association of this alteration with CACNA1C-related long QT syndrome or Timothy syndrome is unlikely.

GeneDx
Classification: Uncertain significance. Last evaluated: 2019-06-27. Review status: criteria provided, single submitter. Criteria: GeneDx Variant Classification Process June 2021. Collection method: clinical testing. Allele origin: germline. Affected: yes.
Comment: Has not been previously published as pathogenic or benign to our knowledge; Not observed at a significant frequency in large population cohorts (Lek et al., 2016); Reported in ClinVar (ClinVar Variant ID# 190615; Landrum et al., 2016); In silico analysis, which includes protein predictors and evolutionary conservation, supports that this variant does not alter protein structure/function

Literature cited by the submitters: PubMed 25633834 (cited by Ambry Genetics).

NM_000719.7(CACNA1C):c.3943A>G (p.Met1315Val)

Gene: CACNA1C (calcium voltage-gated channel subunit alpha1 C; plus strand). Cytogenetic location: 12p13.33.
Variant type: single nucleotide variant.
Coding change: c.3943A>G on transcript NM_000719.7 (MANE Select); coding-DNA position 3943, A replaced by G.
Protein change: p.Met1315Val; replaces methionine 1315 with valine.
Molecular consequence: missense variant. On other transcripts: intron variant (6).
Genome position (GRCh38, 1-based): chr12:2,648,505, A>G. VCF-style: chr12-2648505-A-G. GRCh37 (hg19) VCF-style: chr12-2757671-A-G.
Other names: p.M1315V:ATG>GTG; c.4087A>G, p.Met1363Val (NM_001129827.2, NM_199460.4); c.3943A>G, p.Met1315Val (NM_001129829.2, NM_001129830.3, NM_001129833.2 and 8 more transcripts); c.4027A>G, p.Met1343Val (NM_001129831.2); c.4003A>G, p.Met1335Val (NM_001129832.2); c.3934A>G, p.Met1312Val (NM_001129844.2); c.3913-3135A>G (NM_001167625.2, NM_001129837.2, NM_001129838.2 and 1 more transcripts); c.3907-3135A>G (NM_001129839.2); and 1 more; short protein forms M1315V, M1363V, M1343V, M1335V, M1312V.
Identifiers: ClinVar variation 190615 (VCV000190615.10), dbSNP rs756734279, ClinGen allele CA301117.
Genomic context (GRCh38, chr12:2,648,505, plus strand): 5'-CAGCTTATCTCTATCTGCCTTTCTTTAAAGCCAGCTGAACATACCCAATGCTCTCCCTCT[A>G]TGGTAAGACCAACCCTCCCGACCATGCTCCCGGCTTCCGTGTCCCCCTCTAACACCCCCA-3'
Protein context (NP_000710.5, residues 1305-1325): PAEHTQCSPS[Met1315Val]NAEENSRISI